The following is an entry in ClinVar:

ClinVar aggregate classification (germline): Uncertain significance (1 of 4 stars; one submission).

Conditions:
Developmental and epileptic encephalopathy, 23 (DEE23). Also called: Epileptic encephalopathy, early infantile, 23. Identifiers: Orphanet 411986, MedGen C4014492, MONDO:0014371, OMIM 615859.

Allele frequency attached by ClinVar (database versions not stated): gnomAD exomes below 0.00001.
gnomAD v4.1: 1 of 1,613,540 alleles (0.000062%); highest among the groups gnomAD compares: Admixed American, 0.0017%; no homozygotes.

Submission:

Labcorp Genetics (formerly Invitae), Labcorp
Classification: Uncertain significance for Developmental and epileptic encephalopathy, 23. Last evaluated: 2021-04-03. Review status: criteria provided, single submitter. Criteria: Invitae Variant Classification Sherloc (09022015). Collection method: clinical testing. Allele origin: germline.
Comment: This sequence change replaces glycine with glutamic acid at codon 1416 of the DOCK7 protein (p.Gly1416Glu). The glycine residue is moderately conserved and there is a moderate physicochemical difference between glycine and glutamic acid. This variant is not present in population databases (ExAC no frequency). This variant has not been reported in the literature in individuals with DOCK7-related conditions. Algorithms developed to predict the effect of missense changes on protein structure and function (SIFT, PolyPhen-2, Align-GVGD) all suggest that this variant is likely to be tolerated, but these predictions have not been confirmed by published functional studies and their clinical significance is uncertain. In summary, the available evidence is currently insufficient to determine the role of this variant in disease. Therefore, it has been classified as a Variant of Uncertain Significance.

NM_001367561.1(DOCK7):c.4247G>A (p.Gly1416Glu)

Gene: DOCK7 (dedicator of cytokinesis 7; minus strand). Cytogenetic location: 1p31.3.
Variant type: single nucleotide variant.
Coding change: c.4247G>A on transcript NM_001367561.1 (MANE Select); coding-DNA position 4247, G replaced by A.
Protein change: p.Gly1416Glu; replaces glycine 1416 with glutamic acid.
Molecular consequence: missense variant.
Genome position (GRCh38, 1-based): chr1:62,513,479, C>T on the plus strand (G>A on the coding strand, the complement: DOCK7 is on the minus strand). VCF-style: chr1-62513479-C-T. GRCh37 (hg19) VCF-style: chr1-62979150-C-T.
Other names: c.4247G>A, p.Gly1416Glu (NM_001271999.2, NM_001330614.2); c.4154G>A, p.Gly1385Glu (NM_001272000.2, NM_001272001.2, NM_033407.4); short protein forms G1416E, G1385E.
Identifiers: ClinVar variation 1480042 (VCV001480042.7), dbSNP rs1644561854, ClinGen allele CA340623963.